The following is an entry in ClinVar:

ClinVar aggregate classification (germline): Uncertain significance. Review status: criteria provided, multiple submitters, no conflicts (2 of 4 stars). 2 submissions from 2 submitters: Uncertain significance (2). Last evaluated 2024-12-09.

Conditions:
Cardiovascular phenotype. Identifiers: MedGen CN230736.

Allele frequency attached by ClinVar (database versions not stated): ExAC 0.00001; TOPMed 0.00001; gnomAD 0.00002; gnomAD exomes 0.00002.
gnomAD v4.1: 18 of 1,613,978 alleles (0.0011%); highest among the groups gnomAD compares: Admixed American, 0.005%; no homozygotes.

Submissions (2):

Ambry Genetics
Classification: Uncertain significance for Cardiovascular phenotype. Last evaluated: 2024-12-09. Review status: criteria provided, single submitter. Criteria: Ambry Variant Classification Scheme 2023. Collection method: clinical testing. Allele origin: germline.
Comment: The c.4274C>T variant (also known as p.P1425L), located in coding exon 29 of the ABCA1 gene, results from a C to T substitution at nucleotide position 4274. The amino acid change results in proline to leucine at codon 1425, an amino acid with similar properties. However, this change occurs in the last base pair of coding exon 29, which makes it likely to have some effect on normal mRNA splicing. This amino acid position is well conserved in available vertebrate species. In addition, the in silico prediction for this alteration is inconclusive. Based on the available evidence, the clinical significance of this variant remains unclear.

Labcorp Genetics (formerly Invitae), Labcorp
Classification: Uncertain significance. Last evaluated: 2023-10-13. Review status: criteria provided, single submitter. Criteria: Invitae Variant Classification Sherloc (09022015). Collection method: clinical testing. Allele origin: germline.
Comment: This sequence change replaces proline, which is neutral and non-polar, with leucine, which is neutral and non-polar, at codon 1425 of the ABCA1 protein (p.Pro1425Leu). This variant is present in population databases (rs755825383, gnomAD 0.006%). This variant has not been reported in the literature in individuals affected with ABCA1-related conditions. ClinVar contains an entry for this variant (Variation ID: 810402). An algorithm developed to predict the effect of missense changes on protein structure and function (PolyPhen-2) suggests that this variant is likely to be tolerated. In summary, the available evidence is currently insufficient to determine the role of this variant in disease. Therefore, it has been classified as a Variant of Uncertain Significance.

NM_005502.4(ABCA1):c.4274C>T (p.Pro1425Leu)

Gene: ABCA1 (ATP binding cassette subfamily A member 1; minus strand). Cytogenetic location: 9q31.1.
Variant type: single nucleotide variant.
Coding change: c.4274C>T on transcript NM_005502.4 (MANE Select); coding-DNA position 4274, C replaced by T.
Protein change: p.Pro1425Leu; replaces proline 1425 with leucine.
Molecular consequence: missense variant.
Genome position (GRCh38, 1-based): chr9:104,809,466, G>A on the plus strand (C>T on the coding strand, the complement: ABCA1 is on the minus strand). VCF-style: chr9-104809466-G-A. GRCh37 (hg19) VCF-style: chr9-107571747-G-A.
Other names: c.4274C>T (NM_005502.3); short protein forms P1425L.
Identifiers: ClinVar variation 810402 (VCV000810402.18), dbSNP rs755825383, ClinGen allele CA5168191.